The following is an entry in ClinVar:

ClinVar aggregate classification (germline): Likely benign (1 of 4 stars; one submission).

Conditions:
Familial cancer of breast. Also called: hereditary breast carcinoma; BREAST CANCER, FAMILIAL; Hereditary breast cancer. Identifiers: Orphanet 227535, MedGen C0346153, MONDO:0016419, OMIM 114480. Disease mechanism: loss of function.

Submission:

Myriad Genetics, Inc.
Classification: Likely benign for Familial cancer of breast. Last evaluated: 2024-06-21. Review status: criteria provided, single submitter. Criteria: Myriad Autosomal Dominant, Autosomal Recessive and X-Linked Classification Criteria (2023). Collection method: clinical testing. Allele origin: unknown.
Comment: This variant is considered likely benign. This variant is intronic and is not expected to impact mRNA splicing.

NM_000051.4(ATM):c.8787-16A>C

Genes: ATM (ATM serine/threonine kinase; plus strand), C11orf65 (chromosome 11 open reading frame 65; minus strand). Cytogenetic location: 11q22.3.
Variant type: single nucleotide variant.
Coding change: c.8787-16A>C on transcript NM_000051.4 (MANE Select); 16 bases into the intron before coding-DNA position 8787, A replaced by C.
Molecular consequence: intron variant.
Genome position (GRCh38, 1-based): chr11:108,354,795, A>C. VCF-style: chr11-108354795-A-C. GRCh37 (hg19) VCF-style: chr11-108225522-A-C.
Other names: c.8787-16A>C (NM_001351834.2); c.640+31125T>G (NM_001330368.2); c.695-19503T>G (NM_001351110.2).
Identifiers: ClinVar variation 3254042 (VCV003254042.1), dbSNP rs2089684069.